The following is an entry in ClinVar:

NM_005612.5(REST):c.2958C>A (p.Ser986=)

Gene: REST (RE1 silencing transcription factor; plus strand). Cytogenetic location: 4q12.
Variant type: single nucleotide variant.
Coding change: c.2958C>A on transcript NM_005612.5 (MANE Select); coding-DNA position 2958, C replaced by A.
Protein change: p.Ser986=; no amino-acid change (serine 986 retained).
Molecular consequence: synonymous variant.
Genome position (GRCh38, 1-based): chr4:56,931,816, C>A. VCF-style: chr4-56931816-C-A. GRCh37 (hg19) VCF-style: chr4-57797982-C-A.
Other names: c.2958C>A, p.Ser986= (NM_001193508.2, NM_001363453.3).
Identifiers: ClinVar variation 1165232 (VCV001165232.23), dbSNP rs113136533, ClinGen allele CA2932591.
Genomic context (GRCh38, chr4:56,931,816, plus strand): 5'-TGAAGAACCAGTTTCACCAATGCTTCCCCCTTCAGCAGTAGAAGAACGTGAAGCAGTGTC[C>A]AAAACTGCACTGGCATCACCTCCTGCTACAATGGCAGCAAATGAGTCTCAGGAAATTGAT-3'
Protein context (NP_005603.3, residues 976-996): PSAVEEREAV[Ser986=]KTALASPPAT

ClinVar aggregate classification (germline): Benign/Likely benign. Review status: criteria provided, multiple submitters, no conflicts (2 of 4 stars). 3 submissions from 3 submitters: Benign (1); Likely benign (2). Last evaluated 2025-12-22.

Allele frequency attached by ClinVar (database versions not stated): gnomAD exomes 0.00017 and 0.00043; ExAC 0.00059; 1000 Genomes Project 30x 0.00094; 1000 Genomes Project 0.00100; gnomAD 0.00168 and 0.00173; TOPMed 0.00186; ESP Exome Variant Server 0.00223.
gnomAD v4.1: 541 of 1,614,138 alleles (0.034%); highest among the groups gnomAD compares: African/African-American, 0.61%; 9 homozygotes.

Submissions (3):

Labcorp Genetics (formerly Invitae), Labcorp
Classification: Benign. Last evaluated: 2025-12-22. Review status: criteria provided, single submitter. Criteria: Invitae Variant Classification Sherloc (09022015). Collection method: clinical testing. Allele origin: germline.

CeGaT Center for Human Genetics Tuebingen
Classification: Likely benign. Last evaluated: 2025-04-01. Review status: criteria provided, single submitter. Criteria: CeGaT Center For Human Genetics Tuebingen Variant Classification Criteria Version 2. Collection method: clinical testing. Allele origin: germline. Affected: yes. Observed: 2 variant alleles.
Comment: REST: BP4, BP7

Blueprint Genetics
Classification: Likely benign. Last evaluated: 2024-11-05. Review status: criteria provided, single submitter. Criteria: ACMG Guidelines, 2015. Collection method: clinical testing. Allele origin: germline.